The following is an entry in ClinVar:

ClinVar aggregate classification (germline): Uncertain significance (1 of 4 stars; one submission).

Allele frequency attached by ClinVar (database versions not stated): gnomAD 0.00001; ExAC 0.00004; 1000 Genomes Project 30x 0.00016.

Submission:

Labcorp Genetics (formerly Invitae), Labcorp
Classification: Uncertain significance. Last evaluated: 2023-06-14. Review status: criteria provided, single submitter. Criteria: Invitae Variant Classification Sherloc (09022015). Collection method: clinical testing. Allele origin: germline.
Comment: This sequence change replaces methionine, which is neutral and non-polar, with isoleucine, which is neutral and non-polar, at codon 143 of the TCF3 protein (p.Met143Ile). The frequency data for this variant in the population databases is considered unreliable, as metrics indicate poor data quality at this position in the gnomAD database. This variant has not been reported in the literature in individuals affected with TCF3-related conditions. Experimental studies and prediction algorithms are not available or were not evaluated, and the functional significance of this variant is currently unknown. In summary, the available evidence is currently insufficient to determine the role of this variant in disease. Therefore, it has been classified as a Variant of Uncertain Significance.

NM_003200.5(TCF3):c.429G>A (p.Met143Ile)

Gene: TCF3 (transcription factor 3; minus strand). Cytogenetic location: 19p13.3.
Variant type: single nucleotide variant.
Coding change: c.429G>A on transcript NM_003200.5 (MANE Select); coding-DNA position 429, G replaced by A.
Protein change: p.Met143Ile; replaces methionine 143 with isoleucine.
Molecular consequence: missense variant.
Genome position (GRCh38, 1-based): chr19:1,625,646, C>T on the plus strand (G>A on the coding strand, the complement: TCF3 is on the minus strand). VCF-style: chr19-1625646-C-T. GRCh37 (hg19) VCF-style: chr19-1625645-C-T.
Other names: c.429G>A, p.Met143Ile (NM_001136139.4, NM_001351778.2, NM_001351779.2); short protein forms M143I.
Identifiers: ClinVar variation 3016716 (VCV003016716.3), dbSNP rs759137601, ClinGen allele CA9050400.